The following is an entry in ClinVar:

ClinVar aggregate classification (germline): Uncertain significance (1 of 4 stars; one submission).

Submission:

Ambry Genetics
Classification: Uncertain significance. Last evaluated: 2021-11-24. Review status: criteria provided, single submitter. Criteria: Ambry Variant Classification Scheme 2023. Collection method: clinical testing. Allele origin: germline.
Comment: The p.K801N variant (also known as c.2403G>T), located in coding exon 21 of the PRKDC gene, results from a G to T substitution at nucleotide position 2403. The lysine at codon 801 is replaced by asparagine, an amino acid with similar properties. This amino acid position is conserved. In addition, this alteration is predicted to be tolerated by in silico analysis. Since supporting evidence is limited at this time, the clinical significance of this alteration remains unclear.

NM_006904.7(PRKDC):c.2403G>T (p.Lys801Asn)

Gene: PRKDC (protein kinase, DNA-activated, catalytic subunit; minus strand). Cytogenetic location: 8q11.21.
Variant type: single nucleotide variant.
Coding change: c.2403G>T on transcript NM_006904.7 (MANE Select); coding-DNA position 2403, G replaced by T.
Protein change: p.Lys801Asn; replaces lysine 801 with asparagine.
Molecular consequence: missense variant.
Genome position (GRCh38, 1-based): chr8:47,927,210, C>A on the plus strand (G>T on the coding strand, the complement: PRKDC is on the minus strand). VCF-style: chr8-47927210-C-A. GRCh37 (hg19) VCF-style: chr8-48839770-C-A.
Other names: c.2403G>T, p.Lys801Asn (NM_001081640.2); short protein forms K801N.
Identifiers: ClinVar variation 1790766 (VCV001790766.2), dbSNP rs2090169791, ClinGen allele CA371161666.